The following is an entry in ClinVar:

ClinVar aggregate classification (germline): Likely benign (1 of 4 stars; one submission).

Allele frequency attached by ClinVar (database versions not stated): gnomAD exomes below 0.00001.
gnomAD v4.1: 1 of 1,609,900 alleles (0.000062%); highest among the groups gnomAD compares: Non-Finnish European, 0.000085%; no homozygotes.

Submission:

CeGaT Center for Human Genetics Tuebingen
Classification: Likely benign. Last evaluated: 2023-03-01. Review status: criteria provided, single submitter. Criteria: CeGaT Center For Human Genetics Tuebingen Variant Classification Criteria Version 2. Collection method: clinical testing. Allele origin: germline. Affected: yes. Observed: 1 variant allele.
Comment: FEZF1: PM2:Supporting, BP4, BP7

NM_001024613.4(FEZF1):c.504C>T (p.Gly168=)

Genes: FEZF1 (FEZ family zinc finger 1; minus strand), FEZF1-AS1 (FEZF1 antisense RNA 1; plus strand). Cytogenetic location: 7q31.32.
Variant type: single nucleotide variant.
Coding change: c.504C>T on transcript NM_001024613.4 (MANE Select); coding-DNA position 504, C replaced by T.
Protein change: p.Gly168=; no amino-acid change (glycine 168 retained).
Molecular consequence: synonymous variant. On other transcripts: non-coding transcript variant (1), intron variant (1).
Genome position (GRCh38, 1-based): chr7:122,303,934, G>A on the plus strand (C>T on the coding strand, the complement: FEZF1 is on the minus strand). VCF-style: chr7-122303934-G-A. GRCh37 (hg19) VCF-style: chr7-121943988-G-A.
Other names: c.429+75C>T (NM_001160264.2).
Identifiers: ClinVar variation 2499055 (VCV002499055.28), dbSNP rs2485180371, ClinGen allele CA457453906.